The following is an entry in ClinVar:

ClinVar aggregate classification (germline): Uncertain significance (1 of 4 stars; one submission).

Submission:

GeneDx
Classification: Uncertain significance. Last evaluated: 2023-10-19. Review status: criteria provided, single submitter. Criteria: GeneDx Variant Classification Process June 2021. Collection method: clinical testing. Allele origin: germline. Affected: yes.
Comment: Not observed at significant frequency in large population cohorts (gnomAD); In silico analysis supports that this missense variant does not alter protein structure/function; Has not been previously published as pathogenic or benign to our knowledge

NM_001145809.2(MYH14):c.3319G>A (p.Gly1107Ser)

Gene: MYH14 (myosin heavy chain 14; plus strand). Cytogenetic location: 19q13.33.
Variant type: single nucleotide variant.
Coding change: c.3319G>A on transcript NM_001145809.2 (MANE Select); coding-DNA position 3319, G replaced by A.
Protein change: p.Gly1107Ser; replaces glycine 1107 with serine.
Molecular consequence: missense variant.
Genome position (GRCh38, 1-based): chr19:50,272,583, G>A. VCF-style: chr19-50272583-G-A. GRCh37 (hg19) VCF-style: chr19-50775840-G-A.
Other names: c.3220G>A, p.Gly1074Ser (NM_001077186.2); c.3196G>A, p.Gly1066Ser (NM_024729.4); short protein forms G1066S, G1074S, G1107S.
Identifiers: ClinVar variation 3363255 (VCV003363255.1).